The following is an entry in ClinVar:

NM_000512.5(GALNS):c.169C>T (p.Pro57Ser)

Gene: GALNS (galactosamine (N-acetyl)-6-sulfatase; minus strand). Cytogenetic location: 16q24.3.
Variant type: single nucleotide variant.
Coding change: c.169C>T on transcript NM_000512.5 (MANE Select); coding-DNA position 169, C replaced by T.
Protein change: p.Pro57Ser; replaces proline 57 with serine.
Molecular consequence: missense variant. On other transcripts: intron variant (1).
Genome position (GRCh38, 1-based): chr16:88,842,781, G>A on the plus strand (C>T on the coding strand, the complement: GALNS is on the minus strand). VCF-style: chr16-88842781-G-A. GRCh37 (hg19) VCF-style: chr16-88909189-G-A.
Other names: c.187C>T, p.Pro63Ser (NM_001323544.2); c.-311-810C>T (NM_001323543.2); short protein forms P57S, P63S.
Identifiers: ClinVar variation 2627276 (VCV002627276.3), dbSNP rs759564640, ClinGen allele CA8235270.

ClinVar aggregate classification (germline): Uncertain significance. Review status: criteria provided, multiple submitters, no conflicts (2 of 4 stars). 2 submissions from 2 submitters: Uncertain significance (2). Last evaluated 2024-09-22.

Conditions:
Mucopolysaccharidosis, MPS-IV-A (MPS4A). Also called: MPS IVA; mucopolysaccharidosis type 4A; Morquio syndrome A, mild; MORQUIO SYNDROME A; GALACTOSAMINE-6-SULFATASE DEFICIENCY; GALNS DEFICIENCY. Identifiers: Orphanet 309297, Orphanet 582, MedGen C0086651, MONDO:0009659, OMIM 253000.

Allele frequency attached by ClinVar (database versions not stated): ExAC 0.00001; gnomAD 0.00001; gnomAD exomes 0.00001.
gnomAD v4.1: 6 of 1,613,192 alleles (0.00037%); highest among the groups gnomAD compares: Middle Eastern, 0.082%; no homozygotes.

Submissions (2):

Labcorp Genetics (formerly Invitae), Labcorp
Classification: Uncertain significance for Mucopolysaccharidosis, MPS-IV-A. Last evaluated: 2024-09-22. Review status: criteria provided, single submitter. Criteria: Invitae Variant Classification Sherloc (09022015). Collection method: clinical testing. Allele origin: germline.
Comment: This sequence change replaces proline, which is neutral and non-polar, with serine, which is neutral and polar, at codon 57 of the GALNS protein (p.Pro57Ser). This variant is present in population databases (rs759564640, gnomAD 0.005%). This missense change has been observed in individual(s) with clinical features of mucopolysaccharidosis type IVA (PMID: 34573925). ClinVar contains an entry for this variant (Variation ID: 2627276). Invitae Evidence Modeling of protein sequence and biophysical properties (such as structural, functional, and spatial information, amino acid conservation, physicochemical variation, residue mobility, and thermodynamic stability) indicates that this missense variant is expected to disrupt GALNS protein function with a positive predictive value of 95%. In summary, the available evidence is currently insufficient to determine the role of this variant in disease. Therefore, it has been classified as a Variant of Uncertain Significance.

Women's Health and Genetics/Laboratory Corporation of America, LabCorp
Classification: Uncertain significance. Last evaluated: 2023-09-19. Review status: criteria provided, single submitter. Criteria: LabCorp Variant Classification Summary - May 2015. Collection method: clinical testing. Allele origin: germline.
Comment: Variant summary: GALNS c.169C>T (p.Pro57Ser) results in a non-conservative amino acid change located in the sulfatase, N-terminal domain (IPR000917) of the encoded protein sequence. Five of five in-silico tools predict a damaging effect of the variant on protein function. The variant allele was found at a frequency of 1.2e-05 in 248644 control chromosomes (gnomAD). The available data on variant occurrences in the general population are insufficient to allow any conclusion about variant significance. c.169C>T has been reported in the literature as an uninformative genotype (i.e. zygosity not specified) in at least one individual suspected of Mucopolysaccharidosis Type IVA (Morquio Syndrome A) based on findings from a newborn screening program (Chuang_2021, Chuang_2022). These report(s) do not provide unequivocal conclusions about association of the variant with Mucopolysaccharidosis Type IVA (Morquio Syndrome A). To our knowledge, no experimental evidence demonstrating an impact on protein function has been reported. The following publications have been ascertained in the context of this evaluation (PMID: 34573925, 36077388). No submitters have cited clinical-significance assessments for this variant to ClinVar after 2014. Based on the evidence outlined above, the variant was classified as uncertain significance.

Literature cited by the submitters: PubMed 34573925 (cited by Labcorp Genetics (formerly Invitae), Labcorp and Women's Health and Genetics/Laboratory Corporation of America, LabCorp); PubMed 36077388 (cited by Women's Health and Genetics/Laboratory Corporation of America, LabCorp).